The following is an entry in ClinVar:

ClinVar aggregate classification (germline): Pathogenic/Likely pathogenic. Review status: criteria provided, multiple submitters, no conflicts (2 of 4 stars). 2 submissions from 2 submitters: Pathogenic (1); Likely pathogenic (1). Last evaluated 2025-09-07.

Allele frequency attached by ClinVar (database versions not stated): ExAC 0.00001; gnomAD exomes 0.00001; gnomAD 0.00002 and 0.00003; TOPMed 0.00002; ESP Exome Variant Server 0.00015.
gnomAD v4.1: 13 of 1,354,918 alleles (0.00096%); highest among the groups gnomAD compares: African/African-American, 0.0015%; no homozygotes.

Submissions (2):

Labcorp Genetics (formerly Invitae), Labcorp
Classification: Pathogenic. Last evaluated: 2025-09-07. Review status: criteria provided, single submitter. Criteria: Invitae Variant Classification Sherloc (09022015). Collection method: clinical testing. Allele origin: germline.
Comment: This sequence change creates a premature translational stop signal (p.Arg1266*) in the ERCC6L2 gene. While this is not anticipated to result in nonsense mediated decay, it is expected to disrupt the last 296 amino acid(s) of the ERCC6L2 protein. This variant is present in population databases (rs138069275, gnomAD 0.004%). This premature translational stop signal has been observed in individual(s) with familial bone marrow failure (PMID: 29146883, 29987015). In at least one individual the data is consistent with being in trans (on the opposite chromosome) from a pathogenic variant. It has also been observed to segregate with disease in related individuals. ClinVar contains an entry for this variant (Variation ID: 1174152). Algorithms developed to predict the effect of sequence changes on RNA splicing suggest that this variant may disrupt the consensus splice site. For these reasons, this variant has been classified as Pathogenic.

GeneDx
Classification: Likely pathogenic. Last evaluated: 2024-12-08. Review status: criteria provided, single submitter. Criteria: GeneDx Variant Classification Process June 2021. Collection method: clinical testing. Allele origin: germline. Affected: yes.
Comment: Nonsense variant predicted to result in protein truncation as the last 296 amino acids are lost; Not observed at significant frequency in large population cohorts (gnomAD); This variant is associated with the following publications: (PMID: 32098966, 29146883, 29987015, 36952636)

Literature cited by the submitters: PubMed 29146883 (cited by Labcorp Genetics (formerly Invitae), Labcorp); PubMed 29987015 (cited by Labcorp Genetics (formerly Invitae), Labcorp).

NM_020207.7(ERCC6L2):c.3763C>T (p.Arg1255Ter)

Gene: ERCC6L2 (ERCC excision repair 6 like 2; plus strand). Cytogenetic location: 9q22.32.
Variant type: single nucleotide variant.
Coding change: c.3763C>T on transcript NM_020207.7 (MANE Select); coding-DNA position 3763, C replaced by T.
Protein change: p.Arg1255Ter; replaces arginine 1255 with a stop codon.
Molecular consequence: nonsense. On other transcripts: non-coding transcript variant (1), intron variant (2).
Genome position (GRCh38, 1-based): chr9:96,012,313, C>T. VCF-style: chr9-96012313-C-T. GRCh37 (hg19) VCF-style: chr9-98774595-C-T.
Other names: c.3796C>T (NM_020207.4); c.3674+7612C>T (NM_001375291.1, NM_001375292.1); short protein forms R1255*.
Identifiers: ClinVar variation 1174152 (VCV001174152.7), dbSNP rs138069275, ClinGen allele CA5139995.